The following is an entry in ClinVar:

ClinVar aggregate classification (germline): Pathogenic/Likely pathogenic. Review status: criteria provided, multiple submitters, no conflicts (2 of 4 stars). 13 submissions from 12 submitters: Pathogenic (7); Likely pathogenic (2). 4 of the submissions do not count toward it. Last evaluated 2026-07-28.

Conditions:
POR-related disorder. Also called: POR-related condition.
Antley-Bixler syndrome with genital anomalies and disordered steroidogenesis (ABS1). Also called: POR Deficiency. Identifiers: Orphanet 63269, MedGen C3150099, MONDO:0008726, OMIM 201750.
Congenital adrenal hyperplasia due to cytochrome P450 oxidoreductase deficiency. Also called: DISORDERED STEROIDOGENESIS DUE TO POR DEFICIENCY. Identifiers: Orphanet 95699, MedGen C1860042, MONDO:0013310, OMIM 613571.

Allele frequency attached by ClinVar (database versions not stated): TOPMed 0.00003; gnomAD exomes 0.00004 and 0.00005; 1000 Genomes Project 30x 0.00016; 1000 Genomes Project 0.00020; ExAC 0.00008.

Submissions (13):

Division of Laboratory Medicine and Clinical Genetics, Chiba University Hospital
Classification: Pathogenic for Congenital adrenal hyperplasia due to cytochrome P450 oxidoreductase deficiency. Last evaluated: 2026-07-28. Review status: criteria provided, single submitter. Criteria: ACMG Guidelines, 2015. Collection method: research. Allele origin: maternal, germline. Inheritance: Autosomal recessive inheritance. Affected: yes and no. Observed: 2 variant alleles, 1 heterozygote, 1 compound heterozygote.
Comment: Pathogenic. This is a well-established POR deficiency allele and a predominant pathogenic allele in Japanese patients (PMID:19258400), with multiple pathogenic submissions in ClinVar and an allelic variant listing in OMIM. Variant designations follow the legacy transcript NM_000941.3 (replaced by NM_001395413.1), as reported by the testing laboratory and used in the PORD literature; the variant is defined here by GRCh38 coordinates.

Fulgent Genetics
Classification: Pathogenic for Antley-Bixler syndrome with genital anomalies and disordered steroidogenesis; Congenital adrenal hyperplasia due to cytochrome P450 oxidoreductase deficiency. Last evaluated: 2024-05-13. Review status: criteria provided, single submitter. Criteria: ACMG Guidelines, 2015. Collection method: clinical testing. Allele origin: germline.

Labcorp Genetics (formerly Invitae), Labcorp
Classification: Pathogenic for Congenital adrenal hyperplasia due to cytochrome P450 oxidoreductase deficiency. Last evaluated: 2024-02-06. Review status: criteria provided, single submitter. Criteria: Invitae Variant Classification Sherloc (09022015). Collection method: clinical testing. Allele origin: germline.
Comment: This sequence change replaces arginine, which is basic and polar, with histidine, which is basic and polar, at codon 457 of the POR protein (p.Arg457His). This variant is present in population databases (rs28931608, gnomAD 0.05%). This missense change has been observed in individuals with POR-related conditions (PMID: 14758361, 15483095, 20124576, 28841001). ClinVar contains an entry for this variant (Variation ID: 16907). Advanced modeling of protein sequence and biophysical properties (such as structural, functional, and spatial information, amino acid conservation, physicochemical variation, residue mobility, and thermodynamic stability) performed at Invitae indicates that this missense variant is expected to disrupt POR protein function with a positive predictive value of 80%. Experimental studies have shown that this missense change affects POR function (PMID: 18551037, 20940534, 22252407, 22547083). For these reasons, this variant has been classified as Pathogenic.

GeneDx
Classification: Pathogenic. Last evaluated: 2023-07-17. Review status: criteria provided, single submitter. Criteria: GeneDx Variant Classification Process June 2021. Collection method: clinical testing. Allele origin: germline. Affected: yes.
Comment: Published functional studies demonstrate a damaging effect resulting in reduced enzyme activity (Flck et al., 2004); In silico analysis supports that this missense variant has a deleterious effect on protein structure/function; This variant is associated with the following publications: (PMID: 21741353, 20732302, 20940534, 20124576, 20697309, 32820517, 16495354, 17062779, 22252407, 22123124, 17635179, 22162478, 18551037, 22547083, 21808038, 16470797, 28288674, 16439592, 18853185, 28841001, 29289577, 31299979, 31754721, 33336784, 29944250, 32973886, 35070845, 19258400, 14758361)

3billion
Classification: Likely pathogenic for Antley-Bixler syndrome with genital anomalies and disordered steroidogenesis. Last evaluated: 2023-06-26. Review status: criteria provided, single submitter. Criteria: ACMG Guidelines, 2015. Collection method: clinical testing. Allele origin: germline. Affected: yes.
Comment: The variant is observed at an extremely low frequency in the gnomAD v2.1.1 dataset (total allele frequency: 0.005%). Predicted Consequence/Location: Missense variant In silico tool predictions suggest damaging effect of the variant on gene or gene product (REVEL: 0.96; 3Cnet: 0.91). Same nucleotide change resulting in same amino acid change has been previously reported as pathogenic/likely pathogenic with strong evidence (ClinVar ID: VCV000016907 /PMID: 14758361). A different missense change at the same codon (p.Arg457Leu) has been reported to be associated with POR related disorder (PMID: 31888681). Therefore, this variant is classified as Likely pathogenic according to the recommendation of ACMG/AMP guideline.

Department of Pathology and Laboratory Medicine, Sinai Health System
Classification: Pathogenic for Congenital adrenal hyperplasia due to cytochrome P450 oxidoreductase deficiency. Last evaluated: 2022-11-21. Review status: criteria provided, single submitter. Criteria: ACMG Guidelines, 2015. Collection method: research. Allele origin: germline.

Blueprint Genetics
Classification: Pathogenic for POR-related disorders. Last evaluated: 2022-01-17. Review status: criteria provided, single submitter. Criteria: ACMG Guidelines, 2015. Collection method: clinical testing. Allele origin: germline. Affected: yes. Observed: 1 variant allele.

Soonchunhyang University Bucheon Hospital, Soonchunhyang University Medical Center
Classification: Likely pathogenic for Congenital adrenal hyperplasia due to cytochrome P450 oxidoreductase deficiency. Last evaluated: 2016-03-18. Review status: criteria provided, single submitter. Criteria: ACMG Guidelines, 2015. Collection method: reference population. Allele origin: germline. Observed: 1 variant allele.

Juno Genomics, Hangzhou Juno Genomics, Inc
Classification: Pathogenic for Antley-Bixler syndrome with genital anomalies and disordered steroidogenesis; Congenital adrenal hyperplasia due to cytochrome P450 oxidoreductase deficiency. Review status: criteria provided, single submitter. Criteria: ACMG Guidelines, 2015. Collection method: clinical testing. Allele origin: germline.
Comment: Absent from controls (or at extremely low frequency if recessive) in Genome Aggregation Database.;For recessive disorders, detected in trans with a pathogenic variant.;Patient's phenotype or family history is highly specific for a disease with a single genetic etiology.;Co-segregation with disease in multiple affected family members.;Well-established in vitro or in vivo functional studies supportive of a damaging effect on the gene or gene product.

Genetic Services Laboratory, University of Chicago
Classification: Pathogenic. Last evaluated: 2022-08-15. Review status: no assertion criteria provided. Collection method: clinical testing. Allele origin: germline. Affected: yes. Not counted in ClinVar's aggregate classification.
Comment: This sequence change, c.1370G>A, is in exon 12 results and in an amino acid change, p.Arg457His. The p.Arg457His change affects a highly conserved amino acid residue located in a domain of the POR protein that is known to be functional. In-silico pathogenicity prediction tools (SIFT, Align GVGD, REVEL) provide contradictory results for the p.Arg457His substitution. This sequence change has previously been described in several patients with cytochrome P450 oxidoreductase deficiency (POR) deficiency with or without Antley-Bixler syndrome and is considered a founder mutation in the Japanese population (PMID: 15483095, 16470797, 14758361, 19258400). This sequence change has been described in the gnomAD database with a frequency of 0.05% in the East Asian subpopulation (dbSNP rs28931608). These collective evidences indicate that this sequence change is pathogenic.

OMIM
Classification: Pathogenic for ANTLEY-BIXLER SYNDROME WITH GENITAL ANOMALIES AND DISORDERED STEROIDOGENESIS. Last evaluated: 2006-03-15. Review status: no assertion criteria provided. Collection method: literature only. Allele origin: germline. Not counted in ClinVar's aggregate classification.

OMIM
Classification: Pathogenic for DISORDERED STEROIDOGENESIS DUE TO CYTOCHROME P450 OXIDOREDUCTASE DEFICIENCY. Last evaluated: 2006-03-15. Review status: no assertion criteria provided. Collection method: literature only. Allele origin: germline. Not counted in ClinVar's aggregate classification.

GeneReviews
No classification provided. Condition: Congenital adrenal hyperplasia due to cytochrome P450 oxidoreductase deficiency. Review status: no classification provided. Collection method: literature only. Allele origin: germline. Not counted in ClinVar's aggregate classification.

Literature cited by the submitters: PubMed 19258400 (cited by Division of Laboratory Medicine and Clinical Genetics, Chiba University Hospital); PubMed 42729616 (cited by Division of Laboratory Medicine and Clinical Genetics, Chiba University Hospital); PubMed 14758361 (cited by 4 submitters); PubMed 15483095 (cited by Labcorp Genetics (formerly Invitae), Labcorp and OMIM); PubMed 20124576 (cited by Labcorp Genetics (formerly Invitae), Labcorp); PubMed 28841001 (cited by Labcorp Genetics (formerly Invitae), Labcorp); PubMed 18551037 (cited by Labcorp Genetics (formerly Invitae), Labcorp); PubMed 20940534 (cited by Labcorp Genetics (formerly Invitae), Labcorp); PubMed 22252407 (cited by Labcorp Genetics (formerly Invitae), Labcorp); PubMed 22547083 (cited by Labcorp Genetics (formerly Invitae), Labcorp); PubMed 31888681 (cited by 3billion); PubMed 15220035 (cited by OMIM); PubMed 15793702 (cited by OMIM); PubMed 16470797 (cited by OMIM); NCBI Bookshelf NBK1419 (cited by GeneReviews).

NM_001395413.1(POR):c.1361G>A (p.Arg454His)

Gene: POR (cytochrome p450 oxidoreductase; plus strand). Cytogenetic location: 7q11.23.
Variant type: single nucleotide variant.
Coding change: c.1361G>A on transcript NM_001395413.1 (MANE Select); coding-DNA position 1361, G replaced by A.
Protein change: p.Arg454His; replaces arginine 454 with histidine.
Molecular consequence: missense variant. On other transcripts: intron variant (1).
Genome position (GRCh38, 1-based): chr7:75,985,179, G>A. VCF-style: chr7-75985179-G-A. GRCh37 (hg19) VCF-style: chr7-75614497-G-A.
Other names: R457H; NM_001395413.1:c.1361G>A; p.Arg457His; c.1361G>A, p.Arg454His (NM_001367562.3, NM_001382657.2, NM_001382658.3 and 1 more transcripts); c.1415G>A, p.Arg472His (NM_001382655.3); c.1239+221G>A (NM_001382662.3); c.1424G>A (NM_001382655.1); c.1370G>A (NM_000941.3); short protein forms R454H, R472H.
Identifiers: ClinVar variation 16907 (VCV000016907.22), dbSNP rs28931608, ClinGen allele CA257662.